The following is an entry in ClinVar:

NM_173354.5(SIK1):c.534G>T (p.Glu178Asp)

Gene: SIK1 (salt inducible kinase 1; minus strand). Cytogenetic location: 21q22.3.
Variant type: single nucleotide variant.
Coding change: c.534G>T on transcript NM_173354.5 (MANE Select); coding-DNA position 534, G replaced by T.
Protein change: p.Glu178Asp; replaces glutamic acid 178 with aspartic acid.
Molecular consequence: missense variant.
Genome position (GRCh38, 1-based): chr21:43,421,333, C>A on the plus strand (G>T on the coding strand, the complement: SIK1 is on the minus strand). VCF-style: chr21-43421333-C-A. GRCh37 (hg19) VCF-style: chr21-44841213-C-A.
Other names: short protein forms E178D.
Identifiers: ClinVar variation 3618563 (VCV003618563.2).
Genomic context (GRCh38, chr21:43,421,333, plus strand): 5'-CTTCCCCTCAAAGACTTCCGGGGCGGCATACGGGGGGCTCCCACACCACGTGGACAGAGG[C>A]TCTCCTGACTTGTAGAAATTCCCAAATCCAAAATCTGAGCGGCAAAGAAACAGATGGATG-3'
Protein context (NP_775490.2, residues 168-188): FGFGNFYKSG[Glu178Asp]PLSTWCGSPP

ClinVar aggregate classification (germline): Uncertain significance (1 of 4 stars; one submission).

Conditions:
Developmental and epileptic encephalopathy, 30 (DEE30). Also called: Epileptic encephalopathy, early infantile, 30. Identifiers: MedGen C4225360, MONDO:0014595, OMIM 616341.

Submission:

Labcorp Genetics (formerly Invitae), Labcorp
Classification: Uncertain significance for Developmental and epileptic encephalopathy, 30. Last evaluated: 2024-08-24. Review status: criteria provided, single submitter. Criteria: Invitae Variant Classification Sherloc (09022015). Collection method: clinical testing. Allele origin: germline.
Comment: This sequence change replaces glutamic acid, which is acidic and polar, with aspartic acid, which is acidic and polar, at codon 178 of the SIK1 protein (p.Glu178Asp). This variant is not present in population databases (gnomAD no frequency). This variant has not been reported in the literature in individuals affected with SIK1-related conditions. Invitae Evidence Modeling of protein sequence and biophysical properties (such as structural, functional, and spatial information, amino acid conservation, physicochemical variation, residue mobility, and thermodynamic stability) indicates that this missense variant is not expected to disrupt SIK1 protein function with a negative predictive value of 95%. In summary, the available evidence is currently insufficient to determine the role of this variant in disease. Therefore, it has been classified as a Variant of Uncertain Significance.